The following is an entry in ClinVar:

NM_001165963.4(SCN1A):c.3055A>G (p.Met1019Val)

Gene: SCN1A (sodium voltage-gated channel alpha subunit 1; minus strand). Cytogenetic location: 2q24.3.
Variant type: single nucleotide variant.
Coding change: c.3055A>G on transcript NM_001165963.4 (MANE Select); coding-DNA position 3055, A replaced by G.
Protein change: p.Met1019Val; replaces methionine 1019 with valine.
Molecular consequence: missense variant. On other transcripts: non-coding transcript variant (1).
Genome position (GRCh38, 1-based): chr2:166,036,422, T>C on the plus strand (A>G on the coding strand, the complement: SCN1A is on the minus strand). VCF-style: chr2-166036422-T-C. GRCh37 (hg19) VCF-style: chr2-166892932-T-C.
Other names: c.3055A>G, p.Met1019Val (NM_001353948.2, NM_001202435.3); c.3022A>G, p.Met1008Val (NM_001353949.2, NM_001353950.2, NM_001353951.2 and 2 more transcripts); c.3019A>G, p.Met1007Val (NM_001353954.2, NM_001353955.2); c.2971A>G, p.Met991Val (NM_001353957.2, NM_001353958.2, NM_001165964.3); c.2968A>G, p.Met990Val (NM_001353960.2); c.613A>G, p.Met205Val (NM_001353961.2); short protein forms M1007V, M1008V, M1019V, M205V, M990V, M991V.
Identifiers: ClinVar variation 2637111 (VCV002637111.1), dbSNP rs2468080258, ClinGen allele CA349060212.
Genomic context (GRCh38, chr2:166,036,422, plus strand): 5'-TGAAGGACTGTTGAATAAATTCATATATTTTTCTTTTCACATAAGCTACTCCTTTGTGCA[T>C]CCTATCCACAGCAATTTGGAGATTATTCATTTCATTATCATCATCAGTGGCTGCAAGGTT-3'
Protein context (NP_001159435.1, residues 1009-1029): MNNLQIAVDR[Met1019Val]HKGVAYVKRK

ClinVar aggregate classification (germline): Uncertain significance (1 of 4 stars; one submission).

Conditions:
SCN1A-related disorder. Also called: SCN1A-related disorders; SCN1A-related conditions; SCN1A-related condition.

Submission:

PreventionGenetics, part of Exact Sciences
Classification: Uncertain significance for SCN1A-related condition. Last evaluated: 2022-10-12. Review status: criteria provided, single submitter. Criteria: ACMG Guidelines, 2015. Collection method: clinical testing. Allele origin: germline.
Comment: The SCN1A c.3055A>G variant is predicted to result in the amino acid substitution p.Met1019Val. To our knowledge, this variant has not been reported in the literature or in a large population database, indicating this variant is rare. At this time, the clinical significance of this variant is uncertain due to the absence of conclusive functional and genetic evidence.